The following is an entry in ClinVar:

ClinVar aggregate classification (germline): Uncertain significance (1 of 4 stars; one submission).

Submission:

GeneDx
Classification: Uncertain significance. Last evaluated: 2025-05-27. Review status: criteria provided, single submitter. Criteria: GeneDx Variant Classification Process June 2021. Collection method: clinical testing. Allele origin: germline. Affected: yes.
Comment: Not observed at significant frequency in large population cohorts (gnomAD); In silico analysis supports that this missense variant has a deleterious effect on protein structure/function; Has not been previously published as pathogenic or benign to our knowledge

NM_015215.4(CAMTA1):c.365A>C (p.Tyr122Ser)

Gene: CAMTA1 (calmodulin binding transcription activator 1; plus strand). Cytogenetic location: 1p36.23.
Variant type: single nucleotide variant.
Coding change: c.365A>C on transcript NM_015215.4 (MANE Select); coding-DNA position 365, A replaced by C.
Protein change: p.Tyr122Ser; replaces tyrosine 122 with serine.
Molecular consequence: missense variant.
Genome position (GRCh38, 1-based): chr1:7,249,553, A>C. VCF-style: chr1-7249553-A-C. GRCh37 (hg19) VCF-style: chr1-7309613-A-C.
Other names: c.275A>C, p.Tyr92Ser (NM_001349608.2, NM_001349612.2); c.365A>C, p.Tyr122Ser (NM_001349609.2, NM_001349610.2, NM_001410737.1 and 1 more transcripts); short protein forms Y122S, Y92S.
Identifiers: ClinVar variation 4532575 (VCV004532575.1).